The following is an entry in ClinVar:

NM_201548.5(CERKL):c.1160-10T>G

Gene: CERKL (CERK like autophagy regulator; minus strand). Cytogenetic location: 2q31.3.
Variant type: single nucleotide variant.
Coding change: c.1160-10T>G on transcript NM_201548.5 (MANE Select); 10 bases into the intron before coding-DNA position 1160, T replaced by G.
Molecular consequence: intron variant.
Genome position (GRCh38, 1-based): chr2:181,547,736, A>C on the plus strand (T>G on the coding strand, the complement: CERKL is on the minus strand). VCF-style: chr2-181547736-A-C. GRCh37 (hg19) VCF-style: chr2-182412463-A-C.
Other names: c.821-10T>G (NM_001030312.3); c.1106-10T>G (NM_001160277.2); c.953-10T>G (NM_001030313.3); c.1238-10T>G (NM_001030311.3).
Identifiers: ClinVar variation 851376 (VCV000851376.14), dbSNP rs771126203, ClinGen allele CA2010507.

ClinVar aggregate classification (germline): Conflicting classifications of pathogenicity. Review status: criteria provided, conflicting classifications (1 of 4 stars). 6 submissions from 6 submitters: Pathogenic (1); Likely pathogenic (2); Uncertain significance (2). 1 of the submissions does not count toward it. Last evaluated 2025-12-24.

Conditions:
CERKL-related disorder. Also called: CERKL-related condition.
Retinitis pigmentosa 26 (RP26). Identifiers: Orphanet 791, MedGen C1842127, MONDO:0012024, OMIM 608380.
CERKL-related disorders.
Retinitis pigmentosa (RP). Identifiers: Orphanet 791, MedGen C0035334, MeSH D012174, MONDO:0019200, OMIM 268000. Inheritance: Autosomal dominant, autosomal recessive and X linked inheritance.

Allele frequency attached by ClinVar (database versions not stated): gnomAD exomes 0.00001 and 0.00002; ExAC 0.00002; TOPMed 0.00008; gnomAD 0.00014 and 0.00016.
gnomAD v4.1: 33 of 1,613,780 alleles (0.002%); highest among the groups gnomAD compares: African/African-American, 0.033%; no homozygotes.

Submissions (6):

Labcorp Genetics (formerly Invitae), Labcorp
Classification: Pathogenic. Last evaluated: 2025-12-24. Review status: criteria provided, single submitter. Criteria: Invitae Variant Classification Sherloc (09022015). Collection method: clinical testing. Allele origin: germline.
Comment: This sequence change falls in intron 10 of the CERKL gene. It does not directly change the encoded amino acid sequence of the CERKL protein. This variant is present in population databases (rs771126203, gnomAD 0.04%). This variant has been observed in individuals with clinical features of inherited retinal dystrophy (internal data). ClinVar contains an entry for this variant (Variation ID: 851376). Algorithms developed to predict the effect of sequence changes on RNA splicing suggest that this variant may disrupt the consensus splice site. For these reasons, this variant has been classified as Pathogenic.

PreventionGenetics, part of Exact Sciences
Classification: Uncertain significance for CERKL-related condition. Last evaluated: 2025-09-04. Review status: criteria provided, single submitter. Criteria: ACMG Guidelines, 2015. Collection method: clinical testing. Allele origin: germline.
Comment: The CERKL c.1238-10T>G variant is predicted to interfere with splicing. One algorithm indicates that this variant may impact splicing (SpliceAI, Jaganathan et al. 2019. PubMed ID: 30661751). To our knowledge, this variant has not been reported in the literature. This variant is reported in 0.040% of alleles in individuals of African descent in gnomAD. However, the use of computer prediction programs is not equivalent to functional evidence, and therefore the clinical significance of this variant is uncertain.

Women's Health and Genetics/Laboratory Corporation of America, LabCorp
Classification: Likely pathogenic for Retinitis pigmentosa. Last evaluated: 2025-04-19. Review status: criteria provided, single submitter. Criteria: LabCorp Variant Classification Summary - May 2015. Collection method: clinical testing. Allele origin: germline.
Comment: Variant summary: CERKL c.1238-10T>G alters a non-conserved nucleotide located at a position not widely known to affect splicing. Several computational tools predict a significant impact on normal splicing: Three predict the variant abolishes the canonical 3' splicing acceptor site. However, these predictions have yet to be confirmed by functional studies. The variant allele was found at a frequency of 2e-05 in 251250 control chromosomes. c.1238-10T>G has been observed as a biallelic compound heterozygous genotype in individual(s) affected with clinical features of inherited retinal dystrophy at our laboratory (internal data). These data indicate that the variant is likely to be associated with disease. To our knowledge, no experimental evidence demonstrating an impact on protein function has been reported. ClinVar contains an entry for this variant (Variation ID: 851376). Based on the evidence outlined above, the variant was classified as likely pathogenic.

Blueprint Genetics
Classification: Likely pathogenic for CERKL-related disorders. Last evaluated: 2023-08-17. Review status: criteria provided, single submitter. Criteria: ACMG Guidelines, 2015. Collection method: clinical testing. Allele origin: germline. Affected: yes. Observed: 5 variant alleles.

Mendelics
Classification: Uncertain significance. Last evaluated: 2022-05-04. Review status: criteria provided, single submitter. Criteria: Mendelics Assertion Criteria 2019. Collection method: clinical testing. Allele origin: germline.

Natera, Inc.
Classification: Uncertain significance for Retinitis pigmentosa type 26. Last evaluated: 2020-09-16. Review status: no assertion criteria provided. Collection method: clinical testing. Allele origin: germline. Not counted in ClinVar's aggregate classification.